The following is an entry in ClinVar:

NM_000051.4(ATM):c.8921C>A (p.Pro2974Gln)

Genes: ATM (ATM serine/threonine kinase; plus strand), C11orf65 (chromosome 11 open reading frame 65; minus strand). Cytogenetic location: 11q22.3.
Variant type: single nucleotide variant.
Coding change: c.8921C>A on transcript NM_000051.4 (MANE Select); coding-DNA position 8921, C replaced by A.
Protein change: p.Pro2974Gln; replaces proline 2974 with glutamine.
Molecular consequence: missense variant. On other transcripts: intron variant (2).
Genome position (GRCh38, 1-based): chr11:108,365,152, C>A. VCF-style: chr11-108365152-C-A. GRCh37 (hg19) VCF-style: chr11-108235879-C-A.
Other names: c.8921C>A, p.Pro2974Gln (NM_001351834.2); c.640+20768G>T (NM_001330368.2); c.694+20768G>T (NM_001351110.2); short protein forms P2974Q.
Identifiers: ClinVar variation 1464557 (VCV001464557.7), dbSNP rs139379666, ClinGen allele CA382529958.

ClinVar aggregate classification (germline): Uncertain significance (1 of 4 stars; one submission).

Conditions:
Ataxia-telangiectasia syndrome (AT). Also called: LOUIS-BAR SYNDROME; Cerebello-oculocutaneous telangiectasia; Immunodeficiency with ataxia telangiectasia; Ataxia telangiectasia (A-T); Ataxia-telangiectasia, complementation group D; AT, COMPLEMENTATION GROUP C. Identifiers: Orphanet 100, MedGen C0004135, MONDO:0008840, OMIM 208900.

Submission:

Labcorp Genetics (formerly Invitae), Labcorp
Classification: Uncertain significance for Ataxia-telangiectasia syndrome. Last evaluated: 2021-11-23. Review status: criteria provided, single submitter. Criteria: Invitae Variant Classification Sherloc (09022015). Collection method: clinical testing. Allele origin: germline.
Comment: This variant is not present in population databases (gnomAD no frequency). This sequence change replaces proline, which is neutral and non-polar, with glutamine, which is neutral and polar, at codon 2974 of the ATM protein (p.Pro2974Gln). This variant has not been reported in the literature in individuals affected with ATM-related conditions. Algorithms developed to predict the effect of missense changes on protein structure and function (SIFT, PolyPhen-2, Align-GVGD) all suggest that this variant is likely to be tolerated. In summary, the available evidence is currently insufficient to determine the role of this variant in disease. Therefore, it has been classified as a Variant of Uncertain Significance.